The following is an entry in ClinVar:

NM_001042492.3(NF1):c.3117_3128dup (p.Val1042_Glu1043insAspLysMetVal)

Gene: NF1 (neurofibromin 1; plus strand). Cytogenetic location: 17q11.2.
Variant type: Duplication.
Coding change: c.3117_3128dup on transcript NM_001042492.3 (MANE Select); coding-DNA positions 3117 to 3128, 12 bases duplicated (TAAGATGGTAGA).
Protein change: p.Val1042_Glu1043insAspLysMetVal.
Molecular consequence: inframe insertion. On other transcripts: inframe indel (1).
Genome position (GRCh38, 1-based): chr17:31,230,845-31,230,856, TAAGATGGTAGA duplicated; duplicating any 12 consecutive bases within chr17:31,230,844-31,230,856 gives the same sequence; the c. name uses the placement nearest the transcript's 3' end. VCF-style (leftmost placement, unchanged base first): chr17-31230843-A-AATAAGATGGTAG. GRCh37 (hg19) VCF-style: chr17-29557861-A-AATAAGATGGTAG.
Other names: c.3117_3128dup, p.Val1042_Glu1043insAspLysMetVal (NM_000267.4).
Identifiers: ClinVar variation 2840661 (VCV002840661.3), dbSNP rs2508212513, ClinGen allele CA2739267368.

ClinVar aggregate classification (germline): Uncertain significance (1 of 4 stars; one submission).

Conditions:
Neurofibromatosis, type 1 (NF1). Also called: Neurofibromatosis, type I; VON RECKLINGHAUSEN DISEASE; NEUROFIBROMATOSIS, TYPE I, SOMATIC; Peripheral type neurofibromatosis. Identifiers: Orphanet 636, MedGen C0027831, MONDO:0018975, OMIM 162200. Disease mechanism: loss of function.

Submission:

Labcorp Genetics (formerly Invitae), Labcorp
Classification: Uncertain significance for Neurofibromatosis, type 1. Last evaluated: 2025-07-30. Review status: criteria provided, single submitter. Criteria: Invitae Variant Classification Sherloc (09022015). Collection method: clinical testing. Allele origin: germline.
Comment: This variant, c.3117_3128dup, results in the insertion of 4 amino acid(s) of the NF1 protein (p.Val1042_Glu1043insAspLysMetVal), but otherwise preserves the integrity of the reading frame. This variant is not present in population databases (gnomAD no frequency). This variant has not been reported in the literature in individuals affected with NF1-related conditions. ClinVar contains an entry for this variant (Variation ID: 2840661). In summary, the available evidence is currently insufficient to determine the role of this variant in disease. Therefore, it has been classified as a Variant of Uncertain Significance.